The following is an entry in ClinVar:

NM_003356.4(UCP3):c.891G>A (p.Leu297=)

Gene: UCP3 (uncoupling protein 3; minus strand). Cytogenetic location: 11q13.4.
Variant type: single nucleotide variant.
Coding change: c.891G>A on transcript NM_003356.4 (MANE Select); coding-DNA position 891, G replaced by A.
Protein change: p.Leu297=; no amino-acid change (leucine 297 retained).
Molecular consequence: synonymous variant.
Genome position (GRCh38, 1-based): chr11:74,001,460, C>T on the plus strand (G>A on the coding strand, the complement: UCP3 is on the minus strand). VCF-style: chr11-74001460-C-T. GRCh37 (hg19) VCF-style: chr11-73712505-C-T.
Identifiers: ClinVar variation 4999101 (VCV004999101.1).
Genomic context (GRCh38, chr11:74,001,460, plus strand): 5'-TTCTTGTCTTGTTCAAAACGGTGATTCCCGTAACATCTGGACTTTCATCAGGGCCCGTTT[C>T]AGCTGCTCATAGGTTACGAACATCACCACGTTCCAGGATCCCAAACGCAAAAAGGAGGGT-3'
Protein context (NP_003347.1, residues 287-307): NVVMFVTYEQ[Leu297=]KRALMKVQML

ClinVar aggregate classification (germline): Likely benign (1 of 4 stars; one submission).

Conditions:
UCP3-related disorder. Also called: UCP3-related condition.

gnomAD v4.1: 7 of 1,614,198 alleles (0.00043%); highest among the groups gnomAD compares: Non-Finnish European, 0.00059%; no homozygotes.

Submission:

PreventionGenetics, part of Exact Sciences
Classification: Likely benign for UCP3-related condition. Last evaluated: 2024-12-12. Review status: criteria provided, single submitter. Criteria: ACMG Guidelines, 2015. Collection method: clinical testing. Allele origin: germline.
Comment: This variant is classified as likely benign based on ACMG/AMP sequence variant interpretation guidelines (Richards et al. 2015 PMID: 25741868, with internal and published modifications).